The following is an entry in ClinVar:

NM_001015880.2(PAPSS2):c.982C>T (p.Arg328Trp)

Gene: PAPSS2 (3'-phosphoadenosine 5'-phosphosulfate synthase 2; plus strand). Cytogenetic location: 10q23.31.
Variant type: single nucleotide variant.
Coding change: c.982C>T on transcript NM_001015880.2 (MANE Select); coding-DNA position 982, C replaced by T.
Protein change: p.Arg328Trp; replaces arginine 328 with tryptophan.
Molecular consequence: missense variant.
Genome position (GRCh38, 1-based): chr10:87,727,385, C>T. VCF-style: chr10-87727385-C-T. GRCh37 (hg19) VCF-style: chr10-89487142-C-T.
Other names: c.967C>T, p.Arg323Trp (NM_004670.4); short protein forms R323W, R328W.
Identifiers: ClinVar variation 2200342 (VCV002200342.1), dbSNP rs560333289, ClinGen allele CA5589619.
Genomic context (GRCh38, chr10:87,727,385, plus strand): 5'-TCTGCAGAGGATAAGACACGGCTGGAAGGGTGCAGCAAGTTTGTCCTGGCACATGGTGGA[C>T]GGAGGGTAGCTATCTTACGAGACGCTGAATTCTATGAACACAGAAAAGAGGAACGCTGTT-3'
Protein context (NP_001015880.1, residues 318-338): CSKFVLAHGG[Arg328Trp]RVAILRDAEF

ClinVar aggregate classification (germline): Uncertain significance (1 of 4 stars; one submission).

Conditions:
Spondyloepimetaphyseal dysplasia, PAPSS2 type. Also called: SEMD, PAKISTANI TYPE; BRACHYOLMIA TYPE 4 WITH MILD EPIPHYSEAL AND METAPHYSEAL CHANGES; SPONDYLODYSPLASIA AND PREMATURE PUBARCHE. Identifiers: Orphanet 93282, MedGen C2748516, MONDO:0019666, OMIM 612847.

Allele frequency attached by ClinVar (database versions not stated): gnomAD 0.00002; ExAC 0.00003; TOPMed 0.00003; gnomAD exomes 0.00006.
gnomAD v4.1: 90 of 1,613,742 alleles (0.0056%); highest among the groups gnomAD compares: Non-Finnish European, 0.0067%; no homozygotes.

Submission:

Labcorp Genetics (formerly Invitae), Labcorp
Classification: Uncertain significance for Spondyloepimetaphyseal dysplasia, PAPSS2 type. Last evaluated: 2022-08-23. Review status: criteria provided, single submitter. Criteria: Invitae Variant Classification Sherloc (09022015). Collection method: clinical testing. Allele origin: germline.
Comment: This sequence change replaces arginine, which is basic and polar, with tryptophan, which is neutral and slightly polar, at codon 328 of the PAPSS2 protein (p.Arg328Trp). This variant is present in population databases (rs560333289, gnomAD 0.006%). This variant has not been reported in the literature in individuals affected with PAPSS2-related conditions. Algorithms developed to predict the effect of missense changes on protein structure and function are either unavailable or do not agree on the potential impact of this missense change (SIFT: "Deleterious"; PolyPhen-2: "Possibly Damaging"; Align-GVGD: "Class C0"). In summary, the available evidence is currently insufficient to determine the role of this variant in disease. Therefore, it has been classified as a Variant of Uncertain Significance.